The following is an entry in ClinVar:

ClinVar aggregate classification (germline): Likely pathogenic. Review status: criteria provided, multiple submitters, no conflicts (2 of 4 stars). 2 submissions from 2 submitters: Likely pathogenic (2). Last evaluated 2025-12-26.

Conditions:
Hereditary xanthinuria type 1 (XAN1). Identifiers: Orphanet 3467, Orphanet 93601, MedGen C0268118, MONDO:0010209, OMIM 278300.

Submissions (2):

First Genomix Gene Laboratory, Genetic Diagnostics Department
Classification: Likely pathogenic for Hereditary xanthinuria type 1. Last evaluated: 2025-12-26. Review status: criteria provided, single submitter. Criteria: ACMG Guidelines, 2015. Collection method: clinical testing. Allele origin: germline. Inheritance: Autosomal recessive inheritance. Affected: no. Observed: 1 variant allele.

Fulgent Genetics
Classification: Likely pathogenic for Hereditary xanthinuria type 1. Last evaluated: 2024-02-21. Review status: criteria provided, single submitter. Criteria: ACMG Guidelines, 2015. Collection method: clinical testing. Allele origin: germline.

NM_000379.4(XDH):c.442_443del (p.Cys148fs)

Gene: XDH (xanthine dehydrogenase; minus strand). Cytogenetic location: 2p23.1.
Variant type: Microsatellite.
Coding change: c.442_443del on transcript NM_000379.4 (MANE Select); coding-DNA positions 442 to 443, 2 bases deleted (TG; older notation c.442_443delTG).
Protein change: p.Cys148fs; shifts the reading frame from cysteine 148.
Molecular consequence: frameshift variant.
Genome position (GRCh38, 1-based): chr2:31,397,720-31,397,721, CA deleted on the plus strand (TG on the coding strand, the reverse complement: XDH is on the minus strand); deleting any 2 consecutive bases within chr2:31,397,720-31,397,723 gives the same sequence; the c. name uses the placement nearest the transcript's 3' end. VCF-style (leftmost placement, unchanged base first): chr2-31397719-GCA-G. GRCh37 (hg19) VCF-style: chr2-31620585-GCA-G.
Other names: short protein forms C148fs.
Identifiers: ClinVar variation 3586548 (VCV003586548.2).
Genomic context (GRCh38, chr2:31,397,719, plus strand): 5'-CCCACTTACCCTGGCAAAGGTCCGGAAGCCCTGGAGGATGGGTCTGTAGCCTGTGCAGCG[GCA>G]CAGATTTCCTGTGGGCCAAGGAAAAAACTGCAATGTCAGTGCAGGGCCCTGGGATGGGTG-3'